The following is an entry in ClinVar:

NM_014915.3(ANKRD26):c.4306T>C (p.Ser1436Pro)

Gene: ANKRD26 (ankyrin repeat domain 26; minus strand). Cytogenetic location: 10p12.1.
Variant type: single nucleotide variant.
Coding change: c.4306T>C on transcript NM_014915.3 (MANE Select); coding-DNA position 4306, T replaced by C.
Protein change: p.Ser1436Pro; replaces serine 1436 with proline.
Molecular consequence: missense variant.
Genome position (GRCh38, 1-based): chr10:27,017,702, A>G on the plus strand (T>C on the coding strand, the complement: ANKRD26 is on the minus strand). VCF-style: chr10-27017702-A-G. GRCh37 (hg19) VCF-style: chr10-27306631-A-G.
Other names: c.4303T>C, p.Ser1435Pro (NM_001256053.2); short protein forms S1436P, S1435P.
Identifiers: ClinVar variation 2905196 (VCV002905196.4), dbSNP rs560876746, ClinGen allele CA5447810.

ClinVar aggregate classification (germline): Uncertain significance. Review status: criteria provided, multiple submitters, no conflicts (2 of 4 stars). 2 submissions from 2 submitters: Uncertain significance (2). Last evaluated 2025-12-28.

Conditions:
Inborn genetic diseases. Identifiers: MedGen C0950123, MeSH D030342.

Allele frequency attached by ClinVar (database versions not stated): gnomAD 0.00001; ExAC 0.00002; 1000 Genomes Project 30x 0.00016; 1000 Genomes Project 0.00020.
gnomAD v4.1: 4 of 1,613,142 alleles (0.00025%); highest among the groups gnomAD compares: South Asian, 0.0033%; no homozygotes.

Submissions (2):

Ambry Genetics
Classification: Uncertain significance for Inborn genetic diseases. Last evaluated: 2025-12-28. Review status: criteria provided, single submitter. Criteria: Ambry Variant Classification Scheme 2023. Collection method: clinical testing. Allele origin: germline.
Comment: The p.S1436P variant (also known as c.4306T>C), located in coding exon 30 of the ANKRD26 gene, results from a T to C substitution at nucleotide position 4306. The serine at codon 1436 is replaced by proline, an amino acid with similar properties. This amino acid position is conserved. In addition, this alteration is predicted to be tolerated by in silico analysis. Based on the available evidence, the clinical significance of this variant remains unclear.

Labcorp Genetics (formerly Invitae), Labcorp
Classification: Uncertain significance. Last evaluated: 2023-02-23. Review status: criteria provided, single submitter. Criteria: Invitae Variant Classification Sherloc (09022015). Collection method: clinical testing. Allele origin: germline.
Comment: In summary, the available evidence is currently insufficient to determine the role of this variant in disease. Therefore, it has been classified as a Variant of Uncertain Significance. An algorithm developed to predict the effect of missense changes on protein structure and function (PolyPhen-2) suggests that this variant is likely to be disruptive. This variant has not been reported in the literature in individuals affected with ANKRD26-related conditions. This variant is present in population databases (rs560876746, gnomAD 0.007%). This sequence change replaces serine, which is neutral and polar, with proline, which is neutral and non-polar, at codon 1436 of the ANKRD26 protein (p.Ser1436Pro).